The following is an entry in ClinVar:

NM_001170629.2(CHD8):c.5080C>A (p.Pro1694Thr)

Gene: CHD8 (chromodomain helicase DNA binding protein 8; minus strand). Cytogenetic location: 14q11.2.
Variant type: single nucleotide variant.
Coding change: c.5080C>A on transcript NM_001170629.2 (MANE Select); coding-DNA position 5080, C replaced by A.
Protein change: p.Pro1694Thr; replaces proline 1694 with threonine.
Molecular consequence: missense variant.
Genome position (GRCh38, 1-based): chr14:21,395,864, G>T on the plus strand (C>A on the coding strand, the complement: CHD8 is on the minus strand). VCF-style: chr14-21395864-G-T. GRCh37 (hg19) VCF-style: chr14-21864023-G-T.
Other names: c.4243C>A, p.Pro1415Thr (NM_020920.4); short protein forms P1415T, P1694T.
Identifiers: ClinVar variation 4531471 (VCV004531471.1).

ClinVar aggregate classification (germline): Uncertain significance (1 of 4 stars; one submission).

Conditions:
Intellectual developmental disorder with autism and macrocephaly. Also called: CHD8-Related Neurodevelopmental Disorder with Overgrowth; Autism, susceptibility to, 18. Identifiers: Orphanet 642675, MedGen C3554373, MONDO:0014017, OMIM 615032.

Submission:

Victorian Clinical Genetics Services, Murdoch Childrens Research Institute
Classification: Uncertain significance for Intellectual developmental disorder with autism and macrocephaly. Last evaluated: 2025-01-28. Review status: criteria provided, single submitter. Criteria: ACMG Guidelines, 2015. Collection method: clinical testing. Allele origin: germline. Affected: yes.
Comment: This variant is classified as VUS-3B. Evidence in support of pathogenic classification: Variant is absent from gnomAD (v2, v3 and v4). Additional information: Variant is predicted to result in a missense amino acid change from proline to threonine; This variant is heterozygous; This gene is associated with autosomal dominant disease; Alternative amino acid change(s) at the same position are present in gnomAD (Highest allele count: v4: 1 heterozygote(s), 0 homozygote(s)); This variant has no previous evidence of pathogenicity; No published segregation evidence has been identified for this variant; No published functional evidence has been identified for this variant; No comparable missense variants have previous evidence for pathogenicity; Variant is not located in an established domain, motif, hotspot or informative constraint region; Missense variant with inconclusive in silico prediction and uninformative conservation; Loss of function is a known mechanism of disease in this gene and is associated with intellectual developmental disorder with autism and macrocephaly (MIM#615032); Inheritance information for this variant is not currently available in this individual.